The following is an entry in ClinVar:

ClinVar aggregate classification (germline): Conflicting classifications of pathogenicity. Review status: criteria provided, conflicting classifications (1 of 4 stars). 4 submissions from 2 submitters: Uncertain significance (2); Likely benign (2). Last evaluated 2025-02-17.

Conditions:
Complement component 3 deficiency. Identifiers: Orphanet 280133, MedGen C3151071, MONDO:0013417, OMIM 613779.
Atypical hemolytic-uremic syndrome with C3 anomaly. Also called: AHUS, SUSCEPTIBILITY TO, 5. Identifiers: Orphanet 2134, MedGen C2752037, MONDO:0013043, OMIM 612925.
Age related macular degeneration 9. Identifiers: MedGen C1969651, MONDO:0012659, OMIM 611378.

Allele frequency attached by ClinVar (database versions not stated): gnomAD 0.00001; gnomAD exomes 0.00004; TOPMed 0.00004; ExAC 0.00005.
gnomAD v4.1: 17 of 1,613,552 alleles (0.0011%); highest among the groups gnomAD compares: East Asian, 0.013%; no homozygotes.

Submissions (4):

Labcorp Genetics (formerly Invitae), Labcorp
Classification: Likely benign. Last evaluated: 2025-02-17. Review status: criteria provided, single submitter. Criteria: Invitae Variant Classification Sherloc (09022015). Collection method: clinical testing. Allele origin: germline.

Illumina Laboratory Services, Illumina
Classification: Uncertain significance for Complement component 3 deficiency. Last evaluated: 2018-01-13. Review status: criteria provided, single submitter. Criteria: ICSL Variant Classification Criteria 13 December 2019. Collection method: clinical testing. Allele origin: germline.

Illumina Laboratory Services, Illumina
Classification: Uncertain significance for Age related macular degeneration 9. Last evaluated: 2018-01-13. Review status: criteria provided, single submitter. Criteria: ICSL Variant Classification Criteria 13 December 2019. Collection method: clinical testing. Allele origin: germline.

Illumina Laboratory Services, Illumina
Classification: Likely benign for Atypical hemolytic-uremic syndrome with C3 anomaly. Last evaluated: 2018-01-13. Review status: criteria provided, single submitter. Criteria: ICSL Variant Classification Criteria 13 December 2019. Collection method: clinical testing. Allele origin: germline.
Comment: This variant was observed in the ICSL laboratory as part of a predisposition screen in an ostensibly healthy population. It had not been previously curated by ICSL or reported in the Human Gene Mutation Database (HGMD: prior to June 1st, 2018), and was therefore a candidate for classification through an automated scoring system. Utilizing variant allele frequency, disease prevalence and penetrance estimates, and inheritance mode, an automated score was calculated to assess if this variant is too frequent to cause the disease. Based on the score and internal cut-off values, a variant classified as likely benign is not then subjected to further curation. The score for this variant resulted in a classification of likely benign for this disease.

NM_000064.4(C3):c.1296G>A (p.Ser432=)

Gene: C3 (complement C3; minus strand). Cytogenetic location: 19p13.3.
Variant type: single nucleotide variant.
Coding change: c.1296G>A on transcript NM_000064.4 (MANE Select); coding-DNA position 1296, G replaced by A.
Protein change: p.Ser432=; no amino-acid change (serine 432 retained).
Molecular consequence: synonymous variant.
Genome position (GRCh38, 1-based): chr19:6,711,170, C>T on the plus strand (G>A on the coding strand, the complement: C3 is on the minus strand). VCF-style: chr19-6711170-C-T. GRCh37 (hg19) VCF-style: chr19-6711181-C-T.
Identifiers: ClinVar variation 892903 (VCV000892903.12), dbSNP rs760150621, ClinGen allele CA9129488.
Genomic context (GRCh38, chr19:6,711,170, plus strand): 5'-GGAGTTGCCCACGGTGCTGTAGGGCAGAGCCTGCATGGTCCTGGTAGCCTGCTCTGCCTC[C>T]GAGAGCTCCTGCTTCTTCGTGCGCACCTGGGTGGGGAAAGAGGGATGCCTGCTGGTCGCC-3'
Protein context (NP_000055.2, residues 422-442): ITVRTKKQEL[Ser432=]EAEQATRTMQ